The following is an entry in ClinVar:

ClinVar aggregate classification (germline): Pathogenic/Likely pathogenic. Review status: criteria provided, multiple submitters, no conflicts (2 of 4 stars). 2 submissions from 2 submitters: Pathogenic (1); Likely pathogenic (1). Last evaluated 2026-03-05.

Conditions:
ANO5-related disorder. Also called: ANO5-related condition; ANO5-related disorders. Identifiers: MedGen CN239193.
Gnathodiaphyseal dysplasia (GDD). Also called: GNATHODIAPHYSEAL SCLEROSIS; OSTEOGENESIS IMPERFECTA WITH UNUSUAL SKELETAL LESIONS. Identifiers: Orphanet 53697, MedGen C1833736, MONDO:0008151, OMIM 166260.
Autosomal recessive limb-girdle muscular dystrophy type 2L (LGMDR12). Also called: Limb-girdle muscular dystrophy, type 2L; Limb-Girdle Muscular Dystrophy R12 Anoctamin-5-Related (LGMD-R12); MUSCULAR DYSTROPHY, LIMB-GIRDLE, AUTOSOMAL RECESSIVE 12. Identifiers: Orphanet 206549, MedGen C1969785, MONDO:0012652, OMIM 611307.

Submissions (2):

PreventionGenetics, part of Exact Sciences
Classification: Likely pathogenic for ANO5-related condition. Last evaluated: 2026-03-05. Review status: criteria provided, single submitter. Criteria: ACMG Guidelines, 2015. Collection method: clinical testing. Allele origin: germline.
Comment: The ANO5 c.2520+1G>A variant is predicted to disrupt the GT donor site and interfere with normal splicing. To our knowledge this variant has not been reported in the literature or in a large population database (gnomAD), indicating this variant is rare. Variants that disrupt the consensus splice donor site in ANO5 are expected to be pathogenic. This variant is interpreted as likely pathogenic.

Labcorp Genetics (formerly Invitae), Labcorp
Classification: Pathogenic for Autosomal recessive limb-girdle muscular dystrophy type 2L; Gnathodiaphyseal dysplasia. Last evaluated: 2024-06-06. Review status: criteria provided, single submitter. Criteria: Invitae Variant Classification Sherloc (09022015). Collection method: clinical testing. Allele origin: germline.
Comment: This sequence change affects a donor splice site in intron 21 of the ANO5 gene. While this variant is not anticipated to result in nonsense mediated decay, it likely alters RNA splicing and results in a disrupted protein product. This variant is not present in population databases (gnomAD no frequency). This variant has not been reported in the literature in individuals affected with ANO5-related conditions. Variants that disrupt the consensus splice site are a relatively common cause of aberrant splicing (PMID: 17576681, 9536098). Algorithms developed to predict the effect of sequence changes on RNA splicing suggest that this variant may disrupt the consensus splice site. This variant disrupts a region of the ANO5 protein in which other variant(s) (p.His841Asp) have been determined to be pathogenic (PMID: 24022920, 31395899, 32403337). This suggests that this is a clinically significant region of the protein, and that variants that disrupt it are likely to be disease-causing. For these reasons, this variant has been classified as Pathogenic.

Literature cited by the submitters: PubMed 17576681 (cited by Labcorp Genetics (formerly Invitae), Labcorp); PubMed 9536098 (cited by Labcorp Genetics (formerly Invitae), Labcorp); PubMed 24022920 (cited by Labcorp Genetics (formerly Invitae), Labcorp); PubMed 31395899 (cited by Labcorp Genetics (formerly Invitae), Labcorp); PubMed 32403337 (cited by Labcorp Genetics (formerly Invitae), Labcorp).

NM_213599.3(ANO5):c.2520+1G>A

Gene: ANO5 (anoctamin 5; plus strand). Cytogenetic location: 11p14.3.
Variant type: single nucleotide variant.
Coding change: c.2520+1G>A on transcript NM_213599.3 (MANE Select); the canonical splice donor site of the intron after coding-DNA position 2520, G replaced by A.
Molecular consequence: splice donor variant.
Genome position (GRCh38, 1-based): chr11:22,276,200, G>A. VCF-style: chr11-22276200-G-A. GRCh37 (hg19) VCF-style: chr11-22297746-G-A.
Other names: c.2478+1G>A (NM_001410963.1); c.2517+1G>A (NM_001142649.2); c.2475+1G>A (NM_001410964.1); c.2520+1G>A (NM_213599.2).
Identifiers: ClinVar variation 3749929 (VCV003749929.3).